The following is an entry in ClinVar:

NM_000548.5(TSC2):c.3747G>A (p.Leu1249=)

Gene: TSC2 (TSC complex subunit 2; plus strand). Cytogenetic location: 16p13.3.
Variant type: single nucleotide variant.
Coding change: c.3747G>A on transcript NM_000548.5 (MANE Select); coding-DNA position 3747, G replaced by A.
Protein change: p.Leu1249=; no amino-acid change (leucine 1249 retained).
Molecular consequence: synonymous variant.
Genome position (GRCh38, 1-based): chr16:2,081,731, G>A. VCF-style: chr16-2081731-G-A. GRCh37 (hg19) VCF-style: chr16-2131732-G-A.
Other names: c.3471G>A, p.Leu1157= (NM_001318829.2); c.3015G>A, p.Leu1005= (NM_001318831.2); c.3648G>A, p.Leu1216= (NM_001318832.2); c.3618G>A, p.Leu1206= (NM_001363528.2, NM_001370405.1, NM_021055.3); c.3615G>A, p.Leu1205= (NM_001370404.1, NM_001077183.3); c.3747G>A, p.Leu1249= (NM_001114382.3); c.3507G>A, p.Leu1169= (NM_001318827.2).
Identifiers: ClinVar variation 468036 (VCV000468036.22), dbSNP rs199593904, ClinGen allele CA048281.

ClinVar aggregate classification (germline): Benign/Likely benign. Review status: criteria provided, multiple submitters, no conflicts (2 of 4 stars). 7 submissions from 7 submitters: Benign (6); Likely benign (1). Last evaluated 2025-07-30.

Conditions:
Tuberous sclerosis syndrome (TSC). Also called: Tuberous Sclerosis Complex; Tuberous sclerosis. Identifiers: Orphanet 805, MedGen C0041341, MONDO:0001734.
Hereditary cancer-predisposing syndrome. Also called: Hereditary neoplastic syndrome; Neoplastic Syndromes, Hereditary; Tumor predisposition; Hereditary Cancer Syndrome. Identifiers: Orphanet 140162, MedGen C0027672, MeSH D009386, MONDO:0015356.
Tuberous sclerosis 2 (TSC2). Identifiers: Orphanet 805, MedGen C1860707, MONDO:0013199, OMIM 613254.

Allele frequency attached by ClinVar (database versions not stated): gnomAD exomes 0.00002 and 0.00010; ExAC 0.00004; ESP Exome Variant Server 0.00008; gnomAD 0.00026 and 0.00027; TOPMed 0.00035; 1000 Genomes Project 0.00040; 1000 Genomes Project 30x 0.00062.
gnomAD v4.1: 64 of 1,612,964 alleles (0.004%); highest among the groups gnomAD compares: Admixed American, 0.095%; no homozygotes.

Submissions (7):

Labcorp Genetics (formerly Invitae), Labcorp
Classification: Benign for Tuberous sclerosis 2. Last evaluated: 2025-07-30. Review status: criteria provided, single submitter. Criteria: Invitae Variant Classification Sherloc (09022015). Collection method: clinical testing. Allele origin: germline.

Myriad Genetics, Inc.
Classification: Benign for Tuberous sclerosis 2. Last evaluated: 2025-05-30. Review status: criteria provided, single submitter. Criteria: Myriad Autosomal Dominant, Autosomal Recessive and X-Linked Classification Criteria (2023). Collection method: clinical testing. Allele origin: unknown.
Comment: This variant is considered benign. This variant is a silent/synonymous amino acid change and it is not expected to impact splicing.

All of Us Research Program, National Institutes of Health
Classification: Benign for Tuberous sclerosis syndrome. Last evaluated: 2023-12-13. Review status: criteria provided, single submitter. Criteria: ACMG Guidelines, 2015. Collection method: clinical testing. Allele origin: germline. Inheritance: Autosomal dominant inheritance. Observed: 8 variant alleles, 8 heterozygotes.
Comment: This study involves interpretation of variants in research participants for the purpose of population health screening. Participant phenotype was not available at the time of variant classification. Additional details can be found in publication PMID: 35346344, PMCID: PMC8962531

Color Diagnostics, LLC DBA Color Health
Classification: Benign for Tuberous sclerosis syndrome. Last evaluated: 2022-10-03. Review status: criteria provided, single submitter. Criteria: ACMG Guidelines, 2015. Collection method: clinical testing. Allele origin: germline.

Sema4
Classification: Benign for Hereditary cancer-predisposing syndrome. Last evaluated: 2022-02-26. Review status: criteria provided, single submitter. Criteria: Sema4 Curation Guidelines. Collection method: curation. Allele origin: germline.

Genome-Nilou Lab
Classification: Benign for Tuberous sclerosis 2. Last evaluated: 2021-11-07. Review status: criteria provided, single submitter. Criteria: ACMG Guidelines, 2015. Collection method: clinical testing. Allele origin: germline. Affected: no.

Ambry Genetics
Classification: Likely benign for Hereditary cancer-predisposing syndrome. Last evaluated: 2019-04-12. Review status: criteria provided, single submitter. Criteria: Ambry Variant Classification Scheme 2023. Collection method: clinical testing. Allele origin: germline.